The following is an entry in ClinVar:

ClinVar aggregate classification (germline): Likely benign (0 of 4 stars; one submission).

Conditions:
IGSF1-related disorder. Also called: IGSF1-related condition.

Allele frequency attached by ClinVar (database versions not stated): gnomAD exomes below 0.00001; ExAC 0.00001.
gnomAD v4.1: 2 of 1,211,186 alleles (0.00017%); highest among the groups gnomAD compares: Admixed American, 0.0044%; no homozygotes.

Submission:

PreventionGenetics, part of Exact Sciences
Classification: Likely benign for IGSF1-related condition. Last evaluated: 2019-05-31. Review status: no assertion criteria provided. Collection method: clinical testing. Allele origin: germline.
Comment: This variant is classified as likely benign based on ACMG/AMP sequence variant interpretation guidelines (Richards et al. 2015 PMID: 25741868, with internal and published modifications).

NM_001555.5(IGSF1):c.2754G>A (p.Arg918=)

Gene: IGSF1 (immunoglobulin superfamily member 1; minus strand). Cytogenetic location: Xq26.1.
Variant type: single nucleotide variant.
Coding change: c.2754G>A on transcript NM_001555.5 (MANE Select); coding-DNA position 2754, G replaced by A.
Protein change: p.Arg918=; no amino-acid change (arginine 918 retained).
Molecular consequence: synonymous variant.
Genome position (GRCh38, 1-based): chrX:131,276,103, C>T on the plus strand (G>A on the coding strand, the complement: IGSF1 is on the minus strand). VCF-style: chrX-131276103-C-T. GRCh37 (hg19) VCF-style: chrX-130410077-C-T.
Other names: c.2769G>A, p.Arg923= (NM_001170961.2); c.2727G>A, p.Arg909= (NM_001170962.2).
Identifiers: ClinVar variation 3044024 (VCV003044024.2), dbSNP rs772217311, ClinGen allele CA10517752.
Genomic context (GRCh38, chrX:131,276,103, plus strand): 5'-CCCAGAGTCCTCTGCTCCAACAGTGTGGAGAAGGAAGTCAGCTGAGTTCCCTGAGACACT[C>T]CGAAACTGTAAGGGAACATGGGCTCCCTCCTGCAAGAGGGCGAACCTCATGCCCTGGAAA-3'
Protein context (NP_001546.2, residues 908-928): QEGAHVPLQF[Arg918=]SVSGNSADFL